The following is an entry in ClinVar:

NM_001040436.3(YARS2):c.668T>C (p.Val223Ala)

Gene: YARS2 (tyrosyl-tRNA synthetase 2; minus strand). Cytogenetic location: 12p11.21.
Variant type: single nucleotide variant.
Coding change: c.668T>C on transcript NM_001040436.3 (MANE Select); coding-DNA position 668, T replaced by C.
Protein change: p.Val223Ala; replaces valine 223 with alanine.
Molecular consequence: missense variant.
Genome position (GRCh38, 1-based): chr12:32,755,207, A>G on the plus strand (T>C on the coding strand, the complement: YARS2 is on the minus strand). VCF-style: chr12-32755207-A-G. GRCh37 (hg19) VCF-style: chr12-32908141-A-G.
Other names: short protein forms V223A.
Identifiers: ClinVar variation 3013645 (VCV003013645.3), dbSNP rs2541163202, ClinGen allele CA384373419.

ClinVar aggregate classification (germline): Uncertain significance (1 of 4 stars; one submission).

Submission:

Labcorp Genetics (formerly Invitae), Labcorp
Classification: Uncertain significance. Last evaluated: 2023-09-06. Review status: criteria provided, single submitter. Criteria: Invitae Variant Classification Sherloc (09022015). Collection method: clinical testing. Allele origin: germline.
Comment: In summary, the available evidence is currently insufficient to determine the role of this variant in disease. Therefore, it has been classified as a Variant of Uncertain Significance. Advanced modeling of protein sequence and biophysical properties (such as structural, functional, and spatial information, amino acid conservation, physicochemical variation, residue mobility, and thermodynamic stability) performed at Invitae indicates that this missense variant is not expected to disrupt YARS2 protein function. This variant has not been reported in the literature in individuals affected with YARS2-related conditions. This variant is not present in population databases (gnomAD no frequency). This sequence change replaces valine, which is neutral and non-polar, with alanine, which is neutral and non-polar, at codon 223 of the YARS2 protein (p.Val223Ala).